The following is an entry in ClinVar:

NM_014994.3(MAPKBP1):c.4282G>T (p.Val1428Leu)

Gene: MAPKBP1 (mitogen-activated protein kinase binding protein 1; plus strand). Cytogenetic location: 15q15.1.
Variant type: single nucleotide variant.
Coding change: c.4282G>T on transcript NM_014994.3 (MANE Select); coding-DNA position 4282, G replaced by T.
Protein change: p.Val1428Leu; replaces valine 1428 with leucine.
Molecular consequence: missense variant. On other transcripts: non-coding transcript variant (2).
Genome position (GRCh38, 1-based): chr15:41,824,552, G>T. VCF-style: chr15-41824552-G-T. GRCh37 (hg19) VCF-style: chr15-42116750-G-T.
Other names: c.4300G>T, p.Val1434Leu (NM_001128608.2); c.3451G>T, p.Val1151Leu (NM_001265611.2); c.4300G>T (NM_001128608.1); short protein forms V1151L, V1428L, V1434L.
Identifiers: ClinVar variation 2180985 (VCV002180985.3), dbSNP rs561678673, ClinGen allele CA7498791.

ClinVar aggregate classification (germline): Uncertain significance. Review status: criteria provided, multiple submitters, no conflicts (2 of 4 stars). 3 submissions from 3 submitters: Uncertain significance (3). Last evaluated 2025-02-22.

Conditions:
Inborn genetic diseases. Identifiers: MedGen C0950123, MeSH D030342.

Allele frequency attached by ClinVar (database versions not stated): TOPMed 0.00017; 1000 Genomes Project 30x 0.00031; 1000 Genomes Project 0.00040; ExAC 0.00009; gnomAD 0.00009.
gnomAD v4.1: 196 of 1,599,426 alleles (0.012%); highest among the groups gnomAD compares: Admixed American, 0.077%; no homozygotes.

Submissions (3):

GeneDx
Classification: Uncertain significance. Last evaluated: 2025-02-22. Review status: criteria provided, single submitter. Criteria: GeneDx Variant Classification Process June 2021. Collection method: clinical testing. Allele origin: germline. Affected: yes.
Comment: In silico analysis indicates that this missense variant does not alter protein structure/function; Has not been previously published as pathogenic or benign to our knowledge

Ambry Genetics
Classification: Uncertain significance for Inborn genetic diseases. Last evaluated: 2024-09-04. Review status: criteria provided, single submitter. Criteria: Ambry Variant Classification Scheme 2023. Collection method: clinical testing. Allele origin: germline.

Labcorp Genetics (formerly Invitae), Labcorp
Classification: Uncertain significance. Last evaluated: 2022-04-18. Review status: criteria provided, single submitter. Criteria: Invitae Variant Classification Sherloc (09022015). Collection method: clinical testing. Allele origin: germline.
Comment: This sequence change replaces valine, which is neutral and non-polar, with leucine, which is neutral and non-polar, at codon 1434 of the MAPKBP1 protein (p.Val1434Leu). This variant is present in population databases (rs561678673, gnomAD 0.08%). This variant has not been reported in the literature in individuals affected with MAPKBP1-related conditions. Algorithms developed to predict the effect of missense changes on protein structure and function output the following: SIFT: "Tolerated"; PolyPhen-2: "Benign"; Align-GVGD: "Class C0". The leucine amino acid residue is found in multiple mammalian species, which suggests that this missense change does not adversely affect protein function. In summary, the available evidence is currently insufficient to determine the role of this variant in disease. Therefore, it has been classified as a Variant of Uncertain Significance.